The following is an entry in ClinVar:

NM_017514.5(PLXNA3):c.172C>T (p.Pro58Ser)

Gene: PLXNA3 (plexin A3; plus strand). Cytogenetic location: Xq28.
Variant type: single nucleotide variant.
Coding change: c.172C>T on transcript NM_017514.5 (MANE Select); coding-DNA position 172, C replaced by T.
Protein change: p.Pro58Ser; replaces proline 58 with serine.
Molecular consequence: missense variant.
Genome position (GRCh38, 1-based): chrX:154,460,355, C>T. VCF-style: chrX-154460355-C-T. GRCh37 (hg19) VCF-style: chrX-153688695-C-T.
Other names: c.172C>T (NM_017514.3); short protein forms P58S.
Identifiers: ClinVar variation 773622 (VCV000773622.10), dbSNP rs147019078, ClinGen allele CA10563611.

ClinVar aggregate classification (germline): Conflicting classifications of pathogenicity. Review status: criteria provided, conflicting classifications (1 of 4 stars). 4 submissions from 4 submitters: Uncertain significance (1); Likely benign (2). 1 of the submissions does not count toward it. Last evaluated 2022-06-28.

Conditions:
PLXNA3-related disorder. Also called: PLXNA3-related condition.

Allele frequency attached by ClinVar (database versions not stated): 1000 Genomes Project 30x 0.00042; 1000 Genomes Project 0.00053; TOPMed 0.00068; ExAC 0.00074; ESP Exome Variant Server 0.00095; gnomAD 0.00097.
gnomAD v4.1: 1,332 of 1,209,562 alleles (0.11%); highest among the groups gnomAD compares: Non-Finnish European, 0.13%; no homozygotes.

Submissions (4):

Ambry Genetics
Classification: Uncertain significance. Last evaluated: 2022-06-28. Review status: criteria provided, single submitter. Criteria: Ambry Variant Classification Scheme 2023. Collection method: clinical testing. Allele origin: germline.

Labcorp Genetics (formerly Invitae), Labcorp
Classification: Likely benign. Last evaluated: 2019-12-31. Review status: criteria provided, single submitter. Criteria: Invitae Variant Classification Sherloc (09022015). Collection method: clinical testing. Allele origin: germline.

Breakthrough Genomics
Classification: Likely benign. Review status: criteria provided, single submitter. Criteria: ACMG Guidelines, 2015. Collection method: not provided. Allele origin: germline. Inheritance: Unknown mechanism. Affected: yes.

PreventionGenetics, part of Exact Sciences
Classification: Likely benign for PLXNA3-related condition. Last evaluated: 2021-06-30. Review status: no assertion criteria provided. Collection method: clinical testing. Allele origin: germline. Not counted in ClinVar's aggregate classification.
Comment: This variant is classified as likely benign based on ACMG/AMP sequence variant interpretation guidelines (Richards et al. 2015 PMID: 25741868, with internal and published modifications).